The following is an entry in ClinVar:

NM_000271.5(NPC1):c.88G>T (p.Glu30Ter)

Gene: NPC1 (NPC intracellular cholesterol transporter 1; minus strand). Cytogenetic location: 18q11.2.
Variant type: single nucleotide variant.
Coding change: c.88G>T on transcript NM_000271.5 (MANE Select); coding-DNA position 88, G replaced by T.
Protein change: p.Glu30Ter; replaces glutamic acid 30 with a stop codon.
Molecular consequence: nonsense.
Genome position (GRCh38, 1-based): chr18:23,573,544, C>A on the plus strand (G>T on the coding strand, the complement: NPC1 is on the minus strand). VCF-style: chr18-23573544-C-A. GRCh37 (hg19) VCF-style: chr18-21153508-C-A.
Other names: short protein forms E30*.
Identifiers: ClinVar variation 983843 (VCV000983843.3), dbSNP rs2059233326, ClinGen allele CA402041378.

ClinVar aggregate classification (germline): Likely pathogenic (1 of 4 stars; one submission).

Conditions:
Niemann-Pick disease, type C1. Also called: NIEMANN-PICK DISEASE, VARIANT TYPE C1; NIEMANN-PICK DISEASE WITHOUT SPHINGOMYELINASE DEFICIENCY; NIEMANN-PICK DISEASE, CHRONIC NEURONOPATHIC FORM; NEUROVISCERAL STORAGE DISEASE WITH VERTICAL SUPRANUCLEAR OPHTHALMOPLEGIA; NIEMANN-PICK DISEASE WITH CHOLESTEROL ESTERIFICATION BLOCK. Identifiers: Orphanet 646, MedGen C3179455, MONDO:0009757, OMIM 257220.

Submission:

Myriad Genetics, Inc.
Classification: Likely pathogenic for Niemann-Pick disease, type C1. Last evaluated: 2019-04-29. Review status: criteria provided, single submitter. Criteria: Myriad Women's Health Autosomal Recessive and X-Linked Classification Criteria (2019). Collection method: clinical testing. Allele origin: unknown.
Comment: NM_000271.4(NPC1):c.88G>T(E30*) is expected to be pathogenic in the context of Niemann-Pick disease type C1. This variant is predicted to lead to an abnormal or absent protein product due to the creation of a premature termination codon in NPC1, a gene where loss-of-function variants are known to be pathogenic. Please note: this variant was assessed in the context of healthy population screening.